The following is an entry in ClinVar:

ClinVar aggregate classification (germline): Likely pathogenic (1 of 4 stars; one submission).

Submission:

Labcorp Genetics (formerly Invitae), Labcorp
Classification: Likely pathogenic. Last evaluated: 2024-05-04. Review status: criteria provided, single submitter. Criteria: Invitae Variant Classification Sherloc (09022015). Collection method: clinical testing. Allele origin: germline.
Comment: This sequence change affects an acceptor splice site in intron 10 of the CLCN2 gene. It is expected to disrupt RNA splicing. Variants that disrupt the donor or acceptor splice site typically lead to a loss of protein function (PMID: 16199547), and loss-of-function variants in CLCN2 are known to be pathogenic (PMID: 23707145). This variant is not present in population databases (gnomAD no frequency). This variant has not been reported in the literature in individuals affected with CLCN2-related conditions. Algorithms developed to predict the effect of sequence changes on RNA splicing suggest that this variant may disrupt the consensus splice site. In summary, the currently available evidence indicates that the variant is pathogenic, but additional data are needed to prove that conclusively. Therefore, this variant has been classified as Likely Pathogenic.

Literature cited by the submitters: PubMed 16199547; PubMed 23707145.

NM_004366.6(CLCN2):c.1086-2A>G

Gene: CLCN2 (chloride voltage-gated channel 2; minus strand). Cytogenetic location: 3q27.1.
Variant type: single nucleotide variant.
Coding change: c.1086-2A>G on transcript NM_004366.6 (MANE Select); the canonical splice acceptor site of the intron before coding-DNA position 1086, A replaced by G.
Molecular consequence: splice acceptor variant.
Genome position (GRCh38, 1-based): chr3:184,355,780, T>C on the plus strand (A>G on the coding strand, the complement: CLCN2 is on the minus strand). VCF-style: chr3-184355780-T-C. GRCh37 (hg19) VCF-style: chr3-184073568-T-C.
Other names: c.954-2A>G (NM_001171088.3); c.1086-2A>G (NM_001171087.3, NM_001171089.3).
Identifiers: ClinVar variation 3652153 (VCV003652153.2).